The following is an entry in ClinVar:

ClinVar aggregate classification (germline): Uncertain significance (1 of 4 stars; one submission).

Submission:

GeneDx
Classification: Uncertain significance. Last evaluated: 2024-01-08. Review status: criteria provided, single submitter. Criteria: GeneDx Variant Classification Process June 2021. Collection method: clinical testing. Allele origin: germline. Affected: yes.
Comment: Not observed at significant frequency in large population cohorts (gnomAD); In silico analysis supports that this missense variant has a deleterious effect on protein structure/function; Has not been previously published as pathogenic or benign to our knowledge

NM_004859.4(CLTC):c.2899A>T (p.Arg967Trp)

Gene: CLTC (clathrin heavy chain; plus strand). Cytogenetic location: 17q23.1.
Variant type: single nucleotide variant.
Coding change: c.2899A>T on transcript NM_004859.4 (MANE Select); coding-DNA position 2899, A replaced by T.
Protein change: p.Arg967Trp; replaces arginine 967 with tryptophan.
Molecular consequence: missense variant.
Genome position (GRCh38, 1-based): chr17:59,679,499, A>T. VCF-style: chr17-59679499-A-T. GRCh37 (hg19) VCF-style: chr17-57756860-A-T.
Other names: c.2911A>T, p.Arg971Trp (NM_001288653.2); short protein forms R967W, R971W.
Identifiers: ClinVar variation 3367424 (VCV003367424.1).